The following is an entry in ClinVar:

NM_015335.5(MED13L):c.2065C>T (p.Gln689Ter)

Gene: MED13L (mediator complex subunit 13L; minus strand). Cytogenetic location: 12q24.21.
Variant type: single nucleotide variant.
Coding change: c.2065C>T on transcript NM_015335.5 (MANE Select); coding-DNA position 2065, C replaced by T.
Protein change: p.Gln689Ter; replaces glutamine 689 with a stop codon.
Molecular consequence: nonsense.
Genome position (GRCh38, 1-based): chr12:116,007,584, G>A on the plus strand (C>T on the coding strand, the complement: MED13L is on the minus strand). VCF-style: chr12-116007584-G-A. GRCh37 (hg19) VCF-style: chr12-116445389-G-A.
Other names: short protein forms Q689*.
Identifiers: ClinVar variation 666327 (VCV000666327.2), dbSNP rs1592940794, ClinGen allele CA386894647.

ClinVar aggregate classification (germline): Pathogenic/Likely pathogenic. Review status: criteria provided, multiple submitters, no conflicts (2 of 4 stars). 2 submissions from 2 submitters: Pathogenic (1); Likely pathogenic (1). Last evaluated 2022-01-03.

Conditions:
Cardiac anomalies - developmental delay - facial dysmorphism syndrome (MRFACD). Also called: Impaired intellectual development and distinctive facial features with or without cardiac defects; MED13L Syndrome. Identifiers: Orphanet 369891, MedGen C5192431, MONDO:0014773, OMIM 616789.

Submissions (2):

3billion
Classification: Pathogenic for Cardiac anomalies - developmental delay - facial dysmorphism syndrome. Last evaluated: 2022-01-03. Review status: criteria provided, single submitter. Criteria: ACMG Guidelines, 2015. Collection method: clinical testing. Allele origin: germline. Affected: yes. Observed: 1 heterozygote.
Comment: Stop-gained (nonsense): predicted to result in a loss or disruption of normal protein function through nonsense-mediated decay (NMD) or protein truncation. Multiple pathogenic variants are reported downstream of the variant (PVS1_VS). It is not observed in the gnomAD v2.1.1 dataset (PM2_M). The variant has been reported to be associated with MED13L related disorder (ClinVar ID: VCV000666327, PMID:29511999).Therefore, this variant is classified as pathogenic according to the recommendation of ACMG/AMP guideline.

Equipe Genetique des Anomalies du Developpement, Université de Bourgogne
Classification: Likely pathogenic for Cardiac anomalies - developmental delay - facial dysmorphism syndrome. Last evaluated: 2016-01-04. Review status: criteria provided, single submitter. Criteria: ACMG Guidelines, 2015. Collection method: clinical testing. Allele origin: germline. Affected: yes.

Literature cited by the submitters: PubMed 29511999 (cited by 3billion).